The following is an entry in ClinVar:

ClinVar aggregate classification (germline): Uncertain significance. Review status: criteria provided, multiple submitters, no conflicts (2 of 4 stars). 2 submissions from 2 submitters: Uncertain significance (2). Last evaluated 2024-01-13.

Allele frequency attached by ClinVar (database versions not stated): gnomAD exomes below 0.00001; ExAC 0.00002.
gnomAD v4.1: 4 of 1,571,266 alleles (0.00025%); highest among the groups gnomAD compares: South Asian, 0.0047%; no homozygotes.

Submissions (2):

Labcorp Genetics (formerly Invitae), Labcorp
Classification: Uncertain significance. Last evaluated: 2024-01-13. Review status: criteria provided, single submitter. Criteria: Invitae Variant Classification Sherloc (09022015). Collection method: clinical testing. Allele origin: germline.
Comment: This sequence change replaces serine, which is neutral and polar, with cysteine, which is neutral and slightly polar, at codon 1487 of the LRP5 protein (p.Ser1487Cys). This variant is present in population databases (rs775012025, gnomAD 0.02%). This variant has not been reported in the literature in individuals affected with LRP5-related conditions. Advanced modeling of protein sequence and biophysical properties (such as structural, functional, and spatial information, amino acid conservation, physicochemical variation, residue mobility, and thermodynamic stability) performed at Invitae indicates that this missense variant is not expected to disrupt LRP5 protein function with a negative predictive value of 95%. In summary, the available evidence is currently insufficient to determine the role of this variant in disease. Therefore, it has been classified as a Variant of Uncertain Significance.

Blueprint Genetics
Classification: Uncertain significance. Last evaluated: 2020-03-11. Review status: criteria provided, single submitter. Criteria: ACMG Guidelines, 2015. Collection method: clinical testing. Allele origin: germline.

NM_002335.4(LRP5):c.4460C>G (p.Ser1487Cys)

Gene: LRP5 (LDL receptor related protein 5; plus strand). Cytogenetic location: 11q13.2.
Variant type: single nucleotide variant.
Coding change: c.4460C>G on transcript NM_002335.4 (MANE Select); coding-DNA position 4460, C replaced by G.
Protein change: p.Ser1487Cys; replaces serine 1487 with cysteine.
Molecular consequence: missense variant.
Genome position (GRCh38, 1-based): chr11:68,439,888, C>G. VCF-style: chr11-68439888-C-G. GRCh37 (hg19) VCF-style: chr11-68207356-C-G.
Other names: c.2717C>G, p.Ser906Cys (NM_001291902.2); short protein forms S906C, S1487C.
Identifiers: ClinVar variation 2799319 (VCV002799319.4), dbSNP rs775012025, ClinGen allele CA6150367.